The following is an entry in ClinVar:

ClinVar aggregate classification (germline): Benign. Review status: criteria provided, multiple submitters, no conflicts (2 of 4 stars). 3 submissions from 3 submitters: Benign (2). 1 of the submissions does not count toward it. Last evaluated 2019-12-31.

Conditions:
ABCA7-related disorder. Also called: ABCA7-related condition.

Allele frequency attached by ClinVar (database versions not stated): gnomAD exomes 0.00176; ExAC 0.00218; ESP Exome Variant Server 0.00650; 1000 Genomes Project 30x 0.00656; 1000 Genomes Project 0.00679; gnomAD 0.00709 and 0.00767; TOPMed 0.00798.

Submissions (3):

Labcorp Genetics (formerly Invitae), Labcorp
Classification: Benign. Last evaluated: 2019-12-31. Review status: criteria provided, single submitter. Criteria: Invitae Variant Classification Sherloc (09022015). Collection method: clinical testing. Allele origin: germline.

Breakthrough Genomics
Classification: Benign. Review status: criteria provided, single submitter. Criteria: ACMG Guidelines, 2015. Collection method: not provided. Allele origin: germline. Inheritance: Autosomal dominant inheritance. Affected: yes.

PreventionGenetics, part of Exact Sciences
Classification: Benign for ABCA7-related condition. Last evaluated: 2020-01-13. Review status: no assertion criteria provided. Collection method: clinical testing. Allele origin: germline. Not counted in ClinVar's aggregate classification.
Comment: This variant is classified as benign based on ACMG/AMP sequence variant interpretation guidelines (Richards et al. 2015 PMID: 25741868, with internal and published modifications).

NM_019112.4(ABCA7):c.3710G>A (p.Arg1237His)

Gene: ABCA7 (ATP binding cassette subfamily A member 7; plus strand). Cytogenetic location: 19p13.3.
Variant type: single nucleotide variant.
Coding change: c.3710G>A on transcript NM_019112.4 (MANE Select); coding-DNA position 3710, G replaced by A.
Protein change: p.Arg1237His; replaces arginine 1237 with histidine.
Molecular consequence: missense variant.
Genome position (GRCh38, 1-based): chr19:1,054,325, G>A. VCF-style: chr19-1054325-G-A. GRCh37 (hg19) VCF-style: chr19-1054324-G-A.
Other names: short protein forms R1237H.
Identifiers: ClinVar variation 710669 (VCV000710669.7), dbSNP rs114614802, ClinGen allele CA9034179.